The following is an entry in ClinVar:

ClinVar aggregate classification (germline): Benign. Review status: criteria provided, multiple submitters, no conflicts (2 of 4 stars). 9 submissions from 9 submitters: Benign (7). 2 of the submissions do not count toward it. Last evaluated 2026-02-04.

Conditions:
Cardiovascular phenotype. Identifiers: MedGen CN230736.
Catecholaminergic polymorphic ventricular tachycardia 1. Also called: RYR2-Related Catecholaminergic Polymorphic Ventricular Tachycardia; VENTRICULAR TACHYCARDIA, STRESS-INDUCED POLYMORPHIC 1; VENTRICULAR TACHYCARDIA, CATECHOLAMINERGIC POLYMORPHIC, 1, WITH OR WITHOUT ATRIAL DYSFUNCTION AND/OR DILATED CARDIOMYOPATHY. Identifiers: Orphanet 3286, MedGen C1631597, MONDO:0011484, OMIM 604772.

Allele frequency attached by ClinVar (database versions not stated): 1000 Genomes Project 0.00978; gnomAD 0.01019 and 0.01032; 1000 Genomes Project 30x 0.01031; TOPMed 0.01068; gnomAD exomes 0.01109 and 0.01413; ExAC 0.01113; ESP Exome Variant Server 0.01201.

Submissions (9):

Labcorp Genetics (formerly Invitae), Labcorp
Classification: Benign for Catecholaminergic polymorphic ventricular tachycardia 1. Last evaluated: 2026-02-04. Review status: criteria provided, single submitter. Criteria: Invitae Variant Classification Sherloc (09022015). Collection method: clinical testing. Allele origin: germline.

Blueprint Genetics
Classification: Benign. Last evaluated: 2024-11-22. Review status: criteria provided, single submitter. Criteria: ACMG Guidelines, 2015. Collection method: clinical testing. Allele origin: germline.

ARUP Laboratories, Molecular Genetics and Genomics, ARUP Laboratories
Classification: Benign. Last evaluated: 2023-11-22. Review status: criteria provided, single submitter. Criteria: ARUP Molecular Germline Variant Investigation Process 2024. Collection method: clinical testing. Allele origin: germline.

Women's Health and Genetics/Laboratory Corporation of America, LabCorp
Classification: Benign. Last evaluated: 2019-08-26. Review status: criteria provided, single submitter. Criteria: LabCorp Variant Classification Summary - May 2015. Collection method: clinical testing. Allele origin: germline.
Comment: Variant summary: RYR2 c.11880+13_11880+16delACTG alters a nucleotide located close to a canonical splice site and therefore could affect mRNA splicing, leading to a significantly altered protein sequence. The variant allele was found at a frequency of 0.011 in 248142 control chromosomes in the gnomAD database, including 25 homozygotes. The observed variant frequency is approximately 443 fold of the estimated maximal expected allele frequency for a pathogenic variant in RYR2 causing Cardiomyopathy phenotype (2.5e-05), strongly suggesting that the variant is benign. One clinical diagnostic laboratory has submitted clinical-significance assessments for this variant to ClinVar after 2014 without evidence for independent evaluation and classified the variant as likely benign. Based on the evidence outlined above, the variant was classified as benign.

Ambry Genetics
Classification: Benign for Cardiovascular phenotype. Last evaluated: 2014-12-08. Review status: criteria provided, single submitter. Criteria: Ambry Variant Classification Scheme 2023. Collection method: clinical testing. Allele origin: germline.

GeneDx
Classification: Benign. Last evaluated: 2013-12-06. Review status: criteria provided, single submitter. Criteria: GeneDx Variant Classification (06012015). Collection method: clinical testing. Allele origin: germline. Affected: yes.
Comment: The variant is found in ARVC, CPVT, POSTMORTEM, ARRHYTHMIA, CARDIOMYOPATHY panel(s).

Laboratory for Molecular Medicine, Mass General Brigham Personalized Medicine
Classification: Benign. Last evaluated: 2013-05-30. Review status: criteria provided, single submitter. Criteria: LMM Criteria. Collection method: clinical testing. Allele origin: germline. Observed: 37 variant alleles.
Comment: 11880+13_11880+16delACTG in intron 88 of RYR2: This variant is not expected to h ave clinical significance because it is not located within the splice consensus sequence and has been identified in 1.6% (125/7922) of European American chromos omes by the NHLBI Exome Sequencing Project.

Clinical Genetics, Academic Medical Center
Classification: Benign. Review status: no assertion criteria provided. Collection method: clinical testing. Allele origin: germline. Affected: yes. Study: VKGL Data-share Consensus. Not counted in ClinVar's aggregate classification.

Genome Diagnostics Laboratory, University Medical Center Utrecht
Classification: Likely benign. Review status: no assertion criteria provided. Collection method: clinical testing. Allele origin: germline. Affected: yes. Study: VKGL Data-share Consensus. Not counted in ClinVar's aggregate classification.

NM_001035.3(RYR2):c.11880+13_11880+16del

Gene: RYR2 (ryanodine receptor 2; plus strand). Cytogenetic location: 1q43.
Variant type: Deletion.
Coding change: c.11880+13_11880+16del on transcript NM_001035.3 (MANE Select); bases 13 to 16 of the intron after coding-DNA position 11880, 4 bases deleted (ACTG; older notation c.11880+13_11880+16delACTG).
Molecular consequence: intron variant.
Genome position (GRCh38, 1-based): chr1:237,778,783-237,778,786, ACTG deleted. VCF-style (leftmost placement, unchanged base first): chr1-237778782-AACTG-A. GRCh37 (hg19) VCF-style: chr1-237942082-AACTG-A.
Other names: c.11880+13_11880+16del (LRG_402t1, NM_001035.2).
Identifiers: ClinVar variation 177974 (VCV000177974.31), dbSNP rs199562036, ClinGen allele CA007194.